The following is an entry in ClinVar:

ClinVar aggregate classification (germline): Likely benign. Review status: criteria provided, multiple submitters, no conflicts (2 of 4 stars). 3 submissions from 3 submitters: Likely benign (3). Last evaluated 2025-09-30.

Conditions:
Townes syndrome (TBS). Also called: Townes-Brocks syndrome. Identifiers: Orphanet 857, MedGen C0265246, MeSH C536974, MONDO:0007142.
Townes-Brocks syndrome 1 (TBS1). Also called: DEAFNESS, SENSORINEURAL, WITH IMPERFORATE ANUS AND THUMB ANOMALIES; REAR SYNDROME; RENAL-EAR-ANAL-RADIAL SYNDROME; SALL1-Related Townes-Brocks Syndrome. Identifiers: Orphanet 857, MedGen C4551481, MONDO:0054581, OMIM 107480.

Allele frequency attached by ClinVar (database versions not stated): gnomAD exomes 0.00001 and 0.00002; ExAC 0.00002; gnomAD 0.00003; TOPMed 0.00005; ESP Exome Variant Server 0.00008.
gnomAD v4.1: 22 of 1,613,980 alleles (0.0014%); highest among the groups gnomAD compares: Middle Eastern, 0.016%; no homozygotes.

Submissions (3):

Labcorp Genetics (formerly Invitae), Labcorp
Classification: Likely benign for Townes syndrome. Last evaluated: 2025-09-30. Review status: criteria provided, single submitter. Criteria: Invitae Variant Classification Sherloc (09022015). Collection method: clinical testing. Allele origin: germline.

Fulgent Genetics
Classification: Likely benign for Townes-Brocks syndrome 1. Last evaluated: 2022-02-07. Review status: criteria provided, single submitter. Criteria: ACMG Guidelines, 2015. Collection method: clinical testing. Allele origin: unknown.

GeneDx
Classification: Likely benign. Last evaluated: 2015-12-10. Review status: criteria provided, single submitter. Criteria: GeneDx Variant Classification (06012015). Collection method: clinical testing. Allele origin: germline. Affected: yes.
Comment: This variant is considered likely benign or benign based on one or more of the following criteria: it is a conservative change, it occurs at a poorly conserved position in the protein, it is predicted to be benign by multiple in silico algorithms, and/or has population frequency not consistent with disease.

NM_002968.3(SALL1):c.3771C>T (p.Asn1257=)

Gene: SALL1 (spalt like transcription factor 1; minus strand). Cytogenetic location: 16q12.1.
Variant type: single nucleotide variant.
Coding change: c.3771C>T on transcript NM_002968.3 (MANE Select); coding-DNA position 3771, C replaced by T.
Protein change: p.Asn1257=; no amino-acid change (asparagine 1257 retained).
Molecular consequence: synonymous variant.
Genome position (GRCh38, 1-based): chr16:51,137,316, G>A on the plus strand (C>T on the coding strand, the complement: SALL1 is on the minus strand). VCF-style: chr16-51137316-G-A. GRCh37 (hg19) VCF-style: chr16-51171227-G-A.
Other names: c.3480C>T, p.Asn1160= (NM_001127892.2).
Identifiers: ClinVar variation 379407 (VCV000379407.7), dbSNP rs145423593, ClinGen allele CA8052831.